The following is an entry in ClinVar:

ClinVar aggregate classification (germline): Uncertain significance (1 of 4 stars; one submission).

Conditions:
Long QT syndrome (LQTS). Identifiers: MedGen C0023976, MeSH D008133, MONDO:0002442. Disease mechanism: loss of function. Inheritance: Various modes of inheritance.

Submission:

Labcorp Genetics (formerly Invitae), Labcorp
Classification: Uncertain significance for Long QT syndrome. Last evaluated: 2023-12-28. Review status: criteria provided, single submitter. Criteria: Invitae Variant Classification Sherloc (09022015). Collection method: clinical testing. Allele origin: germline.
Comment: This sequence change replaces proline, which is neutral and non-polar, with alanine, which is neutral and non-polar, at codon 815 of the KCNH2 protein (p.Pro815Ala). This variant is not present in population databases (gnomAD no frequency). This variant has not been reported in the literature in individuals affected with KCNH2-related conditions. An algorithm developed to predict the effect of missense changes on protein structure and function (PolyPhen-2) suggests that this variant is likely to be disruptive. In summary, the available evidence is currently insufficient to determine the role of this variant in disease. Therefore, it has been classified as a Variant of Uncertain Significance.

NM_000238.4(KCNH2):c.2443C>G (p.Pro815Ala)

Gene: KCNH2 (potassium voltage-gated channel subfamily H member 2; minus strand). Cytogenetic location: 7q36.1.
Variant type: single nucleotide variant.
Coding change: c.2443C>G on transcript NM_000238.4 (MANE Select); coding-DNA position 2443, C replaced by G.
Protein change: p.Pro815Ala; replaces proline 815 with alanine.
Molecular consequence: missense variant. On other transcripts: non-coding transcript variant (2).
Genome position (GRCh38, 1-based): chr7:150,949,005, G>C on the plus strand (C>G on the coding strand, the complement: KCNH2 is on the minus strand). VCF-style: chr7-150949005-G-C. GRCh37 (hg19) VCF-style: chr7-150646093-G-C.
Other names: c.2155C>G, p.Pro719Ala (NM_001406753.1); c.1423C>G, p.Pro475Ala (NM_172057.3); short protein forms P475A, P815A, P719A.
Identifiers: ClinVar variation 2706007 (VCV002706007.3), dbSNP rs2486016052, ClinGen allele CA369855280.
Genomic context (GRCh38, chr7:150,949,005, plus strand): 5'-GATGGATCTTGTGTAGGTCACAGTAGGTGAGGGCCCGCACATCCCCGTTCGACTTGCCAG[G>C]CCTTGCATACAGGTTCAGAGGCTCCCCAAAGATGTCATTCTTCCCTGGAGGCCATGGAGA-3'
Protein context (NP_000229.1, residues 805-825): FGEPLNLYAR[Pro815Ala]GKSNGDVRAL